The following is an entry in ClinVar:

NM_006270.5(RRAS):c.571C>T (p.Arg191Trp)

Gene: RRAS (RAS related; minus strand). Cytogenetic location: 19q13.33.
Variant type: single nucleotide variant.
Coding change: c.571C>T on transcript NM_006270.5 (MANE Select); coding-DNA position 571, C replaced by T.
Protein change: p.Arg191Trp; replaces arginine 191 with tryptophan.
Molecular consequence: missense variant.
Genome position (GRCh38, 1-based): chr19:49,635,735, G>A on the plus strand (C>T on the coding strand, the complement: RRAS is on the minus strand). VCF-style: chr19-49635735-G-A. GRCh37 (hg19) VCF-style: chr19-50138992-G-A.
Other names: c.571C>T (NM_006270.3, NM_006270.4); short protein forms R191W.
Identifiers: ClinVar variation 2083076 (VCV002083076.8), dbSNP rs199540462, ClinGen allele CA9578958.

ClinVar aggregate classification (germline): Uncertain significance. Review status: criteria provided, multiple submitters, no conflicts (2 of 4 stars). 3 submissions from 3 submitters: Uncertain significance (3). Last evaluated 2024-04-12.

Conditions:
Noonan syndrome (NS). Also called: Noonan's syndrome. Identifiers: Orphanet 648, MedGen C0028326, MeSH D009634, MONDO:0018997. Disease mechanism: gain of function.

Allele frequency attached by ClinVar (database versions not stated): 1000 Genomes Project 30x 0.00016; 1000 Genomes Project 0.00020.
gnomAD v4.1: 18 of 1,569,716 alleles (0.0011%); highest among the groups gnomAD compares: South Asian, 0.0068%; no homozygotes.

Submissions (3):

Ambry Genetics
Classification: Uncertain significance. Last evaluated: 2024-04-12. Review status: criteria provided, single submitter. Criteria: Ambry Variant Classification Scheme 2023. Collection method: clinical testing. Allele origin: germline.

Women's Health and Genetics/Laboratory Corporation of America, LabCorp
Classification: Uncertain significance. Last evaluated: 2023-09-26. Review status: criteria provided, single submitter. Criteria: LabCorp Variant Classification Summary - May 2015. Collection method: clinical testing. Allele origin: germline.
Comment: Variant summary: RRAS c.571C>T (p.Arg191Trp) results in a non-conservative amino acid change in the encoded protein sequence. Five of five in-silico tools predict a damaging effect of the variant on protein function. The variant allele was found at a frequency of 2.1e-05 in 243658 control chromosomes. The available data on variant occurrences in the general population are insufficient to allow any conclusion about variant significance. To our knowledge, no occurrence of c.571C>T in individuals affected with Noonan Syndrome And Related Conditions and no experimental evidence demonstrating its impact on protein function have been reported. Two submitters have cited clinical-significance assessments for this variant to ClinVar after 2014. All submitters classified the variant as uncertain significance. Based on the evidence outlined above, the variant was classified as uncertain significance.

Labcorp Genetics (formerly Invitae), Labcorp
Classification: Uncertain significance for Noonan syndrome. Last evaluated: 2022-11-01. Review status: criteria provided, single submitter. Criteria: Invitae Variant Classification Sherloc (09022015). Collection method: clinical testing. Allele origin: germline.
Comment: This sequence change replaces arginine, which is basic and polar, with tryptophan, which is neutral and slightly polar, at codon 191 of the RRAS protein (p.Arg191Trp). This variant is present in population databases (rs199540462, gnomAD 0.01%). This variant has not been reported in the literature in individuals affected with RRAS-related conditions. Algorithms developed to predict the effect of missense changes on protein structure and function are either unavailable or do not agree on the potential impact of this missense change (SIFT: "Deleterious"; PolyPhen-2: "Probably Damaging"; Align-GVGD: "Class C0"). In summary, the available evidence is currently insufficient to determine the role of this variant in disease. Therefore, it has been classified as a Variant of Uncertain Significance.